The following is an entry in ClinVar:

NM_000228.3(LAMB3):c.2556+13G>A

Gene: LAMB3 (laminin subunit beta 3; minus strand). Cytogenetic location: 1q32.2.
Variant type: single nucleotide variant.
Coding change: c.2556+13G>A on transcript NM_000228.3 (MANE Select); 13 bases into the intron after coding-DNA position 2556, G replaced by A.
Molecular consequence: intron variant.
Genome position (GRCh38, 1-based): chr1:209,622,969, C>T on the plus strand (G>A on the coding strand, the complement: LAMB3 is on the minus strand). VCF-style: chr1-209622969-C-T. GRCh37 (hg19) VCF-style: chr1-209796314-C-T.
Other names: c.2556+13G>A (NM_001127641.1, NM_001017402.2).
Identifiers: ClinVar variation 295086 (VCV000295086.14), dbSNP rs113339950, ClinGen allele CA1375205.

ClinVar aggregate classification (germline): Benign. Review status: criteria provided, multiple submitters, no conflicts (2 of 4 stars). 4 submissions from 4 submitters: Benign (4). Last evaluated 2026-01-31.

Conditions:
Junctional epidermolysis bullosa. Identifiers: Orphanet 305, MedGen C0079301, MONDO:0017612.

Allele frequency attached by ClinVar (database versions not stated): gnomAD exomes 0.00175 and 0.00445; ExAC 0.00522; 1000 Genomes Project 30x 0.01562; 1000 Genomes Project 0.01597; gnomAD 0.01851; ESP Exome Variant Server 0.01989; TOPMed 0.01993.
gnomAD v4.1: 5,293 of 1,612,352 alleles (0.33%); highest among the groups gnomAD compares: African/African-American, 6%; 137 homozygotes.

Submissions (4):

Labcorp Genetics (formerly Invitae), Labcorp
Classification: Benign. Last evaluated: 2026-01-31. Review status: criteria provided, single submitter. Criteria: Invitae Variant Classification Sherloc (09022015). Collection method: clinical testing. Allele origin: germline.

Illumina Laboratory Services, Illumina
Classification: Benign for Junctional epidermolysis bullosa. Last evaluated: 2018-01-12. Review status: criteria provided, single submitter. Criteria: ICSL Variant Classification Criteria 13 December 2019. Collection method: clinical testing. Allele origin: germline.
Comment: This variant was observed in the ICSL laboratory as part of a predisposition screen in an ostensibly healthy population. It had not been previously curated by ICSL or reported in the Human Gene Mutation Database (HGMD: prior to June 1st, 2018), and was therefore a candidate for classification through an automated scoring system. Utilizing variant allele frequency, disease prevalence and penetrance estimates, and inheritance mode, an automated score was calculated to assess if this variant is too frequent to cause the disease. Based on the score and internal cut-off values, a variant classified as benign is not then subjected to further curation. The score for this variant resulted in a classification of benign for this disease.

GeneDx
Classification: Benign. Last evaluated: 2015-03-03. Review status: criteria provided, single submitter. Criteria: GeneDx Variant Classification Process June 2021. Collection method: clinical testing. Allele origin: germline. Affected: yes.

Breakthrough Genomics
Classification: Benign. Review status: criteria provided, single submitter. Criteria: ACMG Guidelines, 2015. Collection method: not provided. Allele origin: germline. Inheritance: Autosomal recessive inheritance. Affected: yes.